The following is an entry in ClinVar:

ClinVar aggregate classification (germline): Uncertain significance. Review status: criteria provided, multiple submitters, no conflicts (2 of 4 stars). 3 submissions from 3 submitters: Uncertain significance (3). Last evaluated 2024-01-22.

Conditions:
Autosomal recessive inherited pseudoxanthoma elasticum (PXE). Identifiers: Orphanet 758, MedGen CN032334, MONDO:0009925, OMIM 264800.
Pseudoxanthoma elasticum, forme fruste. Also called: Pseudoxanthoma Elasticum, Incomplete; PSEUDOXANTHOMA ELASTICUM, HETEROZYGOUS. Identifiers: Orphanet 758, MedGen C1867450, MONDO:0008333, OMIM 177850.
Arterial calcification, generalized, of infancy, 2. Identifiers: Orphanet 51608, MedGen C3276161, MONDO:0013768, OMIM 614473.

Allele frequency attached by ClinVar (database versions not stated): TOPMed 0.00001; 1000 Genomes Project 30x 0.00016; 1000 Genomes Project 0.00020.
gnomAD v4.1: 1 of 1,613,840 alleles (0.000062%); highest among the groups gnomAD compares: African/African-American, 0.0013%; no homozygotes.

Submissions (3):

Fulgent Genetics
Classification: Uncertain significance for Pseudoxanthoma elasticum, forme fruste; Autosomal recessive inherited pseudoxanthoma elasticum; Arterial calcification, generalized, of infancy, 2. Last evaluated: 2024-01-22. Review status: criteria provided, single submitter. Criteria: ACMG Guidelines, 2015. Collection method: clinical testing. Allele origin: germline.

Labcorp Genetics (formerly Invitae), Labcorp
Classification: Uncertain significance. Last evaluated: 2023-11-06. Review status: criteria provided, single submitter. Criteria: Invitae Variant Classification Sherloc (09022015). Collection method: clinical testing. Allele origin: germline.
Comment: This sequence change replaces histidine, which is basic and polar, with tyrosine, which is neutral and polar, at codon 790 of the ABCC6 protein (p.His790Tyr). This variant is present in population databases (rs114246406, gnomAD 0.008%). This variant has not been reported in the literature in individuals affected with ABCC6-related conditions. ClinVar contains an entry for this variant (Variation ID: 2076851). Advanced modeling of protein sequence and biophysical properties (such as structural, functional, and spatial information, amino acid conservation, physicochemical variation, residue mobility, and thermodynamic stability) has been performed at Invitae for this missense variant, however the output from this modeling did not meet the statistical confidence thresholds required to predict the impact of this variant on ABCC6 protein function. In summary, the available evidence is currently insufficient to determine the role of this variant in disease. Therefore, it has been classified as a Variant of Uncertain Significance.

Blueprint Genetics
Classification: Uncertain significance. Last evaluated: 2021-02-01. Review status: criteria provided, single submitter. Criteria: ACMG Guidelines, 2015. Collection method: clinical testing. Allele origin: germline.

NM_001171.6(ABCC6):c.2368C>T (p.His790Tyr)

Gene: ABCC6 (ATP binding cassette subfamily C member 6; minus strand). Cytogenetic location: 16p13.11.
Variant type: single nucleotide variant.
Coding change: c.2368C>T on transcript NM_001171.6 (MANE Select); coding-DNA position 2368, C replaced by T.
Protein change: p.His790Tyr; replaces histidine 790 with tyrosine.
Molecular consequence: missense variant. On other transcripts: non-coding transcript variant (1).
Genome position (GRCh38, 1-based): chr16:16,178,845, G>A on the plus strand (C>T on the coding strand, the complement: ABCC6 is on the minus strand). VCF-style: chr16-16178845-G-A. GRCh37 (hg19) VCF-style: chr16-16272702-G-A.
Other names: c.2026C>T, p.His676Tyr (NM_001351800.1); short protein forms H676Y, H790Y.
Identifiers: ClinVar variation 2076851 (VCV002076851.6), dbSNP rs114246406, ClinGen allele CA278645244.
Genomic context (GRCh38, chr16:16,178,845, plus strand): 5'-TTCCCAAACTTACTGTTCCCTGGAGTAGTCCACCAGGCCCAATGACCTGGTTGAAGACAT[G>A]CTGGCCAACGTGGGCATCCAGGGCCGCCAGGGGGTCATCCAGCAGGTACACAGCTGCCTT-3'
Protein context (NP_001162.5, residues 780-800): LAALDAHVGQ[His790Tyr]VFNQVIGPGG